The following is an entry in ClinVar:

NM_015046.7(SETX):c.4336G>T (p.Val1446Leu)

Gene: SETX (senataxin; minus strand). Cytogenetic location: 9q34.13.
Variant type: single nucleotide variant.
Coding change: c.4336G>T on transcript NM_015046.7 (MANE Select); coding-DNA position 4336, G replaced by T.
Protein change: p.Val1446Leu; replaces valine 1446 with leucine.
Molecular consequence: missense variant.
Genome position (GRCh38, 1-based): chr9:132,327,262, C>A on the plus strand (G>T on the coding strand, the complement: SETX is on the minus strand). VCF-style: chr9-132327262-C-A. GRCh37 (hg19) VCF-style: chr9-135202649-C-A.
Other names: c.4336G>T, p.Val1446Leu (NM_001351527.2, NM_001351528.2); short protein forms V1446L.
Identifiers: ClinVar variation 1304958 (VCV001304958.7), dbSNP rs1477696040, ClinGen allele CA375326482.
Genomic context (GRCh38, chr9:132,327,262, plus strand): 5'-CCAGAGGGTCTTCTGAAGTGGAGACAATTACTTCATTTGTTGGTACTGTTCCATTTAACA[C>A]TACAGAATCACACTGGTTCAAAGGGCAAGCATCATCAGTTGCTGGAGACCCATGTTTTGC-3'
Protein context (NP_055861.3, residues 1436-1456): ACPLNQCDSV[Val1446Leu]LNGTVPTNEV

ClinVar aggregate classification (germline): Uncertain significance. Review status: criteria provided, multiple submitters, no conflicts (2 of 4 stars). 4 submissions from 3 submitters: Uncertain significance (4). Last evaluated 2023-02-08.

Conditions:
Amyotrophic lateral sclerosis type 4 (ALS4). Also called: AMYOTROPHIC LATERAL SCLEROSIS 4, JUVENILE; NEURONOPATHY, DISTAL HEREDITARY MOTOR, WITH PYRAMIDAL FEATURES. Identifiers: Orphanet 357043, MedGen C1865409, MONDO:0011223, OMIM 602433.
Spinocerebellar ataxia, autosomal recessive, with axonal neuropathy 2 (SCAN2). Also called: ATAXIA-OCULOMOTOR APRAXIA 2; Ataxia-ocular apraxia-2; Ataxia with Oculomotor Apraxia; Ataxia with Oculomotor Apraxia Type 2. Identifiers: Orphanet 64753, MedGen C1853761, MONDO:0018996, OMIM 606002.

Allele frequency attached by ClinVar (database versions not stated): TOPMed 0.00001.

Submissions (4):

Genome-Nilou Lab
Classification: Uncertain significance for Spinocerebellar ataxia, autosomal recessive, with axonal neuropathy 2. Last evaluated: 2023-02-08. Review status: criteria provided, single submitter. Criteria: ACMG Guidelines, 2015. Collection method: clinical testing. Allele origin: germline.

Genome-Nilou Lab
Classification: Uncertain significance for Amyotrophic lateral sclerosis type 4. Last evaluated: 2023-02-08. Review status: criteria provided, single submitter. Criteria: ACMG Guidelines, 2015. Collection method: clinical testing. Allele origin: germline.

Labcorp Genetics (formerly Invitae), Labcorp
Classification: Uncertain significance for Amyotrophic lateral sclerosis type 4; Spinocerebellar ataxia, autosomal recessive, with axonal neuropathy 2. Last evaluated: 2022-02-24. Review status: criteria provided, single submitter. Criteria: Invitae Variant Classification Sherloc (09022015). Collection method: clinical testing. Allele origin: germline.
Comment: In summary, the available evidence is currently insufficient to determine the role of this variant in disease. Therefore, it has been classified as a Variant of Uncertain Significance. Advanced modeling of protein sequence and biophysical properties (such as structural, functional, and spatial information, amino acid conservation, physicochemical variation, residue mobility, and thermodynamic stability) performed at Invitae indicates that this missense variant is not expected to disrupt SETX protein function. ClinVar contains an entry for this variant (Variation ID: 1304958). This variant has not been reported in the literature in individuals affected with SETX-related conditions. This variant is not present in population databases (gnomAD no frequency). This sequence change replaces valine, which is neutral and non-polar, with leucine, which is neutral and non-polar, at codon 1446 of the SETX protein (p.Val1446Leu).

GeneDx
Classification: Uncertain significance. Last evaluated: 2019-04-24. Review status: criteria provided, single submitter. Criteria: GeneDx Variant Classification Process June 2021. Collection method: clinical testing. Allele origin: germline. Affected: yes.
Comment: Not observed in large population cohorts (Lek et al., 2016); In silico analysis, which includes protein predictors and evolutionary conservation, supports that this variant does not alter protein structure/function; Has not been previously published as pathogenic or benign to our knowledge